The following is an entry in ClinVar:

NM_004287.5(GOSR2):c.50C>T (p.Ser17Phe)

Genes: GOSR2 (golgi SNAP receptor complex member 2; plus strand), LRRC37A2 (leucine rich repeat containing 37 member A2). Cytogenetic location: 17q21.32.
Variant type: single nucleotide variant.
Coding change: c.50C>T on transcript NM_004287.5 (MANE Select); coding-DNA position 50, C replaced by T.
Protein change: p.Ser17Phe; replaces serine 17 with phenylalanine.
Molecular consequence: missense variant. On other transcripts: non-coding transcript variant (3), 5 prime UTR variant (2).
Genome position (GRCh38, 1-based): chr17:46,929,540, C>T. VCF-style: chr17-46929540-C-T. GRCh37 (hg19) VCF-style: chr17-45006906-C-T.
Other names: c.50C>T, p.Ser17Phe (NM_001012511.3, NM_001321133.2, NM_001330252.2 and 4 more transcripts); c.-5C>T (NM_001321134.2, NM_001363851.2); short protein forms S17F.
Identifiers: ClinVar variation 2004441 (VCV002004441.4), dbSNP rs2546214419, ClinGen allele CA400015972.
Genomic context (GRCh38, chr17:46,929,540, plus strand): 5'-TACTCCTGTCTCACTCATTTCCTCCCTCTTCCTTTGATAGGCAGGTCCACGAGATCCAGT[C>T]TTGCATGGGACGCCTGGAGACGGCAGACAAGCAGTCTGTGCACAGTGAGTAATTAACTGT-3'
Protein context (NP_004278.2, residues 7-27): QTHKQVHEIQ[Ser17Phe]CMGRLETADK

ClinVar aggregate classification (germline): Uncertain significance (1 of 4 stars; one submission).

Conditions:
Progressive myoclonic epilepsy. Also called: Familial progressive myoclonic epilepsy; Progressive myoclonus epilepsy; Myoclonus epilepsy; Myoclonic Epilepsies, Progressive. Identifiers: Orphanet 308, Orphanet 98261, MedGen C0751778, MONDO:0020074.

Submission:

Labcorp Genetics (formerly Invitae), Labcorp
Classification: Uncertain significance for Progressive myoclonic epilepsy. Last evaluated: 2022-06-10. Review status: criteria provided, single submitter. Criteria: Invitae Variant Classification Sherloc (09022015). Collection method: clinical testing. Allele origin: germline.
Comment: In summary, the available evidence is currently insufficient to determine the role of this variant in disease. Therefore, it has been classified as a Variant of Uncertain Significance. Algorithms developed to predict the effect of missense changes on protein structure and function are either unavailable or do not agree on the potential impact of this missense change (SIFT: "Tolerated"; PolyPhen-2: "Probably Damaging"; Align-GVGD: "Class C0"). This variant has not been reported in the literature in individuals affected with GOSR2-related conditions. This variant is not present in population databases (gnomAD no frequency). This sequence change replaces serine, which is neutral and polar, with phenylalanine, which is neutral and non-polar, at codon 17 of the GOSR2 protein (p.Ser17Phe).